The following is an entry in ClinVar:

NM_001267550.2(TTN):c.98683+3A>G

Genes: TTN (titin; minus strand), TTN-AS1 (TTN antisense RNA 1; plus strand). Cytogenetic location: 2q31.2.
Variant type: single nucleotide variant.
Coding change: c.98683+3A>G on transcript NM_001267550.2 (MANE Select); 3 bases into the intron after coding-DNA position 98683, A replaced by G.
Molecular consequence: intron variant. On other transcripts: non-coding transcript variant (1).
Genome position (GRCh38, 1-based): chr2:178,539,379, T>C on the plus strand (A>G on the coding strand, the complement: TTN is on the minus strand). VCF-style: chr2-178539379-T-C. GRCh37 (hg19) VCF-style: chr2-179404106-T-C.
Other names: c.71488+3A>G (NM_003319.4); c.72064+3A>G (NM_133437.4); c.71863+3A>G (NM_133432.3); c.90979+3A>G (NM_133378.4); c.93760+3A>G (NM_001256850.1).
Identifiers: ClinVar variation 1518476 (VCV001518476.8), dbSNP rs1693285723, ClinGen allele CA430240459.

ClinVar aggregate classification (germline): Uncertain significance (1 of 4 stars; one submission).

Conditions:
Dilated cardiomyopathy 1G (CMD1G). Identifiers: Orphanet 154, MedGen C1858763, MONDO:0011400, OMIM 604145.
Autosomal recessive limb-girdle muscular dystrophy type 2J (LGMDR10). Also called: Limb-girdle muscular dystrophy, type 2J; MUSCULAR DYSTROPHY, LIMB-GIRDLE, AUTOSOMAL RECESSIVE 10. Identifiers: Orphanet 140922, MedGen C1837342, MONDO:0012127, OMIM 608807.

Allele frequency attached by ClinVar (database versions not stated): gnomAD exomes below 0.00001.
gnomAD v4.1: 1 of 1,608,814 alleles (0.000062%); highest among the groups gnomAD compares: Non-Finnish European, 0.000085%; no homozygotes.

Submission:

Labcorp Genetics (formerly Invitae), Labcorp
Classification: Uncertain significance for Dilated cardiomyopathy 1G; Autosomal recessive limb-girdle muscular dystrophy type 2J. Last evaluated: 2024-01-09. Review status: criteria provided, single submitter. Criteria: Invitae Variant Classification Sherloc (09022015). Collection method: clinical testing. Allele origin: germline.
Comment: This sequence change falls in intron 352 of the TTN gene. It does not directly change the encoded amino acid sequence of the TTN protein. It affects a nucleotide within the consensus splice site. This variant is not present in population databases (gnomAD no frequency). This variant has not been reported in the literature in individuals affected with TTN-related conditions. ClinVar contains an entry for this variant (Variation ID: 1518476). Variants that disrupt the consensus splice site are a relatively common cause of aberrant splicing (PMID: 17576681, 9536098). Algorithms developed to predict the effect of sequence changes on RNA splicing suggest that this variant is not likely to affect RNA splicing. This variant is located in the A band of TTN (PMID: 25589632). Variants in this region may be relevant for cardiac or neuromuscular disorders (PMID: 25589632, 23975875). In summary, the available evidence is currently insufficient to determine the role of this variant in disease. Therefore, it has been classified as a Variant of Uncertain Significance.

Literature cited by the submitters: PubMed 17576681; PubMed 9536098; PubMed 25589632; PubMed 23975875.